The following is an entry in ClinVar:

NM_020686.6(ABAT):c.*2304T>A

Gene: ABAT (4-aminobutyrate aminotransferase; plus strand). Cytogenetic location: 16p13.2.
Variant type: single nucleotide variant.
Coding change: c.*2304T>A on transcript NM_020686.6 (MANE Select); 2304 bases downstream of the stop codon, T replaced by A.
Molecular consequence: 3 prime UTR variant.
Genome position (GRCh38, 1-based): chr16:8,783,734, T>A. VCF-style: chr16-8783734-T-A. GRCh37 (hg19) VCF-style: chr16-8877591-T-A.
Other names: c.*2304T>A (NM_000663.5, NM_001127448.2, NM_001386600.1 and 14 more transcripts); c.*2318T>A (NM_001386609.1, NM_001386616.1).
Identifiers: ClinVar variation 321142 (VCV000321142.6), dbSNP rs9456, ClinGen allele CA10638554.

ClinVar aggregate classification (germline): Benign. Review status: criteria provided, multiple submitters, no conflicts (2 of 4 stars). 2 submissions from 2 submitters: Benign (2). Last evaluated 2018-01-13.

Conditions:
Gamma-aminobutyric acid transaminase deficiency (GABATD). Also called: GABA aminotransaminase deficiency; GABA transaminase deficiency; Gamma aminobutyrate transaminase deficiency; 4 alpha aminobutyrate transaminase deficiency. Identifiers: Orphanet 2066, MedGen C0342708, MONDO:0013166, OMIM 613163.

Allele frequency attached by ClinVar (database versions not stated): gnomAD 0.14101 and 0.14357; TOPMed 0.14414; gnomAD exomes 0.16667; 1000 Genomes Project 30x 0.17395; 1000 Genomes Project 0.17752.
gnomAD v4.1: 21,899 of 152,152 alleles (14%); highest among the groups gnomAD compares: East Asian, 22%; 1,595 homozygotes.

Submissions (2):

Illumina Laboratory Services, Illumina
Classification: Benign for Gamma-aminobutyric acid transaminase deficiency. Last evaluated: 2018-01-13. Review status: criteria provided, single submitter. Criteria: ICSL Variant Classification Criteria 13 December 2019. Collection method: clinical testing. Allele origin: germline.
Comment: This variant was observed in the ICSL laboratory as part of a predisposition screen in an ostensibly healthy population. It had not been previously curated by ICSL or reported in the Human Gene Mutation Database (HGMD: prior to June 1st, 2018), and was therefore a candidate for classification through an automated scoring system. Utilizing variant allele frequency, disease prevalence and penetrance estimates, and inheritance mode, an automated score was calculated to assess if this variant is too frequent to cause the disease. Based on the score and internal cut-off values, a variant classified as benign is not then subjected to further curation. The score for this variant resulted in a classification of benign for this disease.

Breakthrough Genomics
Classification: Benign. Review status: criteria provided, single submitter. Criteria: ACMG Guidelines, 2015. Collection method: not provided. Allele origin: germline. Inheritance: Autosomal recessive inheritance. Affected: yes.